The following is an entry in ClinVar:

ClinVar aggregate classification (germline): Benign/Likely benign. Review status: criteria provided, multiple submitters, no conflicts (2 of 4 stars). 9 submissions from 9 submitters: Benign (1); Likely benign (5). 3 of the submissions do not count toward it. Last evaluated 2025-11-30.

Conditions:
CREBBP-related disorder. Also called: CREBBP-related disorders; CREBBP-related condition.
Rubinstein-Taybi syndrome (RSTS). Identifiers: Orphanet 783, MedGen C0035934, MONDO:0019188.
Inborn genetic diseases. Identifiers: MedGen C0950123, MeSH D030342.
Rubinstein-Taybi syndrome due to CREBBP mutations (RSTS1). Also called: RUBINSTEIN SYNDROME; BROAD THUMBS AND GREAT TOES, CHARACTERISTIC FACIES, AND IMPAIRED INTELLECTUAL DEVELOPMENT; BROAD THUMB-HALLUX SYNDROME; CREBBP-Related Rubinstein-Taybi Syndrome; RUBINSTEIN-TAYBI SYNDROME 1, INCOMPLETE; Rubinstein-Taybi syndrome 1. Identifiers: Orphanet 353277, Orphanet 783, MedGen C4551859, MONDO:0008393, OMIM 180849.
Menke-Hennekam syndrome 1 (MKHK1). Identifiers: MedGen C5193034, MONDO:0020763, OMIM 618332.

Allele frequency attached by ClinVar (database versions not stated): gnomAD exomes 0.00004 and 0.00005; ExAC 0.00006; ESP Exome Variant Server 0.00008; gnomAD 0.00013 and 0.00015; TOPMed 0.00015.
gnomAD v4.1: 81 of 1,613,602 alleles (0.005%); highest among the groups gnomAD compares: African/African-American, 0.065%; no homozygotes.

Submissions (9):

Labcorp Genetics (formerly Invitae), Labcorp
Classification: Benign for Rubinstein-Taybi syndrome. Last evaluated: 2025-11-30. Review status: criteria provided, single submitter. Criteria: Invitae Variant Classification Sherloc (09022015). Collection method: clinical testing. Allele origin: germline.

Women's Health and Genetics/Laboratory Corporation of America, LabCorp
Classification: Likely benign. Last evaluated: 2024-12-24. Review status: criteria provided, single submitter. Criteria: LabCorp Variant Classification Summary - May 2015. Collection method: clinical testing. Allele origin: germline.
Comment: Variant summary: CREBBP c.2846C>T (p.Pro949Leu) results in a non-conservative amino acid change in the encoded protein sequence. Five of five in-silico tools predict a damaging effect of the variant on protein function. The variant allele was found at a frequency of 4.8e-05 in 250776 control chromosomes, predominantly at a frequency of 0.00062 within the African or African-American subpopulation in the gnomAD database. To our knowledge, no occurrence of c.2846C>T in individuals affected with Rubinstein-Taybi Syndrome and no experimental evidence demonstrating its impact on protein function have been reported. ClinVar contains an entry for this variant (Variation ID: 1211662). Based on the evidence outlined above, the variant was classified as likely benign.

Ambry Genetics
Classification: Likely benign for Inborn genetic diseases. Last evaluated: 2023-11-03. Review status: criteria provided, single submitter. Criteria: Ambry Variant Classification Scheme 2023. Collection method: clinical testing. Allele origin: germline.

Blueprint Genetics
Classification: Likely benign. Last evaluated: 2023-05-05. Review status: criteria provided, single submitter. Criteria: ACMG Guidelines, 2015. Collection method: clinical testing. Allele origin: germline.

Fulgent Genetics
Classification: Likely benign for Rubinstein-Taybi syndrome due to CREBBP mutations; Menke-Hennekam syndrome 1. Last evaluated: 2021-07-01. Review status: criteria provided, single submitter. Criteria: ACMG Guidelines, 2015. Collection method: clinical testing. Allele origin: unknown.

GeneDx
Classification: Likely benign. Last evaluated: 2021-03-31. Review status: criteria provided, single submitter. Criteria: GeneDx Variant Classification Process June 2021. Collection method: clinical testing. Allele origin: germline. Affected: yes.

PreventionGenetics, part of Exact Sciences
Classification: Likely benign for CREBBP-related condition. Last evaluated: 2021-07-16. Review status: no assertion criteria provided. Collection method: clinical testing. Allele origin: germline. Not counted in ClinVar's aggregate classification.
Comment: This variant is classified as likely benign based on ACMG/AMP sequence variant interpretation guidelines (Richards et al. 2015 PMID: 25741868, with internal and published modifications).

Clinical Genetics DNA and cytogenetics Diagnostics Lab, Erasmus MC, Erasmus Medical Center
Classification: Uncertain significance. Review status: no assertion criteria provided. Collection method: clinical testing. Allele origin: germline. Affected: yes. Study: VKGL Data-share Consensus. Not counted in ClinVar's aggregate classification.

Genome Diagnostics Laboratory, Amsterdam University Medical Center
Classification: Uncertain significance. Review status: no assertion criteria provided. Collection method: clinical testing. Allele origin: germline. Affected: yes. Study: VKGL Data-share Consensus. Not counted in ClinVar's aggregate classification.

NM_004380.3(CREBBP):c.2846C>T (p.Pro949Leu)

Gene: CREBBP (CREB binding lysine acetyltransferase; minus strand). Cytogenetic location: 16p13.3.
Variant type: single nucleotide variant.
Coding change: c.2846C>T on transcript NM_004380.3 (MANE Select); coding-DNA position 2846, C replaced by T.
Protein change: p.Pro949Leu; replaces proline 949 with leucine.
Molecular consequence: missense variant.
Genome position (GRCh38, 1-based): chr16:3,770,604, G>A on the plus strand (C>T on the coding strand, the complement: CREBBP is on the minus strand). VCF-style: chr16-3770604-G-A. GRCh37 (hg19) VCF-style: chr16-3820605-G-A.
Other names: c.2732C>T, p.Pro911Leu (NM_001079846.1); short protein forms P911L, P949L.
Identifiers: ClinVar variation 1211662 (VCV001211662.17), dbSNP rs147083140, ClinGen allele CA7870026.
Genomic context (GRCh38, chr16:3,770,604, plus strand): 5'-AAAACAGCAGAGACAGAGAGGCTTACCGGTGTGCCAGGAGGCTGGGCGTGCACAGGCGTC[G>A]GCTGTTGCTGCGATGACTGAGGGGTAGCCACAGACGGGGGCTGAACTGGGGTTTGAGGCT-3'
Protein context (NP_004371.2, residues 939-959): VATPQSSQQQ[Pro949Leu]TPVHAQPPGT